The following is an entry in ClinVar:

NM_000551.4(VHL):c.324C>T (p.Arg108=)

Gene: VHL (von Hippel-Lindau tumor suppressor; plus strand). Cytogenetic location: 3p25.3.
Variant type: single nucleotide variant.
Coding change: c.324C>T on transcript NM_000551.4 (MANE Select); coding-DNA position 324, C replaced by T.
Protein change: p.Arg108=; no amino-acid change (arginine 108 retained).
Molecular consequence: synonymous variant.
Genome position (GRCh38, 1-based): chr3:10,142,171, C>T. VCF-style: chr3-10142171-C-T. GRCh37 (hg19) VCF-style: chr3-10183855-C-T.
Other names: c.324C>T, p.Arg108= (NM_001354723.2, NM_198156.3).
Identifiers: ClinVar variation 238105 (VCV000238105.13), dbSNP rs878854124, ClinGen allele CA10582114.
Genomic context (GRCh38, chr3:10,142,171, plus strand): 5'-GCTCAACTTCGACGGCGAGCCGCAGCCCTACCCAACGCTGCCGCCTGGCACGGGCCGCCG[C>T]ATCCACAGCTACCGAGGTACGGGCCCGGCGCTTAGGCCCGACCCAGCAGGGACGATAGCA-3'
Protein context (NP_000542.1, residues 98-118): YPTLPPGTGR[Arg108=]IHSYRGHLWL

ClinVar aggregate classification (germline): Benign/Likely benign. Review status: criteria provided, multiple submitters, no conflicts (2 of 4 stars). 2 submissions from 2 submitters: Benign (1); Likely benign (1). Last evaluated 2025-06-11.

Conditions:
Chuvash polycythemia. Also called: POLYCYTHEMIA, VHL-DEPENDENT. Identifiers: Orphanet 238557, MedGen C1837915, MONDO:0009892, OMIM 263400.
Von Hippel-Lindau syndrome (VHLS). Also called: von Hippel–Lindau syndrome; VHL syndrome; Von Hippel-Lindau. Identifiers: Orphanet 892, MedGen C0019562, MONDO:0008667, OMIM 193300. Disease mechanism: loss of function.

Submissions (2):

Myriad Genetics, Inc.
Classification: Benign for Von Hippel-Lindau syndrome. Last evaluated: 2025-06-11. Review status: criteria provided, single submitter. Criteria: Myriad Autosomal Dominant, Autosomal Recessive and X-Linked Classification Criteria (2023). Collection method: clinical testing. Allele origin: unknown.
Comment: This variant is considered benign. This variant is a silent/synonymous amino acid change and it is not expected to impact splicing.

Labcorp Genetics (formerly Invitae), Labcorp
Classification: Likely benign for Von Hippel-Lindau syndrome; Chuvash polycythemia. Last evaluated: 2025-02-18. Review status: criteria provided, single submitter. Criteria: Invitae Variant Classification Sherloc (09022015). Collection method: clinical testing. Allele origin: germline.